The following is an entry in ClinVar:

NM_004629.2(FANCG):c.1070C>T (p.Thr357Met)

Gene: FANCG (FA complementation group G; minus strand). Cytogenetic location: 9p13.3.
Variant type: single nucleotide variant.
Coding change: c.1070C>T on transcript NM_004629.2 (MANE Select); coding-DNA position 1070, C replaced by T.
Protein change: p.Thr357Met; replaces threonine 357 with methionine.
Molecular consequence: missense variant.
Genome position (GRCh38, 1-based): chr9:35,076,438, G>A on the plus strand (C>T on the coding strand, the complement: FANCG is on the minus strand). VCF-style: chr9-35076438-G-A. GRCh37 (hg19) VCF-style: chr9-35076435-G-A.
Other names: short protein forms T357M.
Identifiers: ClinVar variation 1806248 (VCV001806248.6), dbSNP rs112854819, ClinGen allele CA5039863.

ClinVar aggregate classification (germline): Conflicting classifications of pathogenicity. Review status: criteria provided, conflicting classifications (1 of 4 stars). 3 submissions from 3 submitters: Uncertain significance (2); Likely benign (1). Last evaluated 2025-09-04.

Conditions:
Fanconi anemia (FA). Also called: Fanconi's anemia. Identifiers: Orphanet 84, MedGen C0015625, MeSH D005199, MONDO:0019391.
Fanconi anemia complementation group G. Also called: Fanconi anemia group G; FANCG-Related Fanconi Anemia. Identifiers: Orphanet 84, MedGen C3469527, MONDO:0013565, OMIM 614082.

Allele frequency attached by ClinVar (database versions not stated): ExAC 0.00001; gnomAD 0.00004; TOPMed 0.00006; gnomAD exomes 0.00012.
gnomAD v4.1: 173 of 1,613,848 alleles (0.011%); highest among the groups gnomAD compares: Middle Eastern, 0.033%; no homozygotes.

Submissions (3):

Labcorp Genetics (formerly Invitae), Labcorp
Classification: Uncertain significance for Fanconi anemia. Last evaluated: 2025-09-04. Review status: criteria provided, single submitter. Criteria: Invitae Variant Classification Sherloc (09022015). Collection method: clinical testing. Allele origin: germline.
Comment: This sequence change replaces threonine, which is neutral and polar, with methionine, which is neutral and non-polar, at codon 357 of the FANCG protein (p.Thr357Met). This variant is present in population databases (rs112854819, gnomAD 0.02%). This variant has not been reported in the literature in individuals affected with FANCG-related conditions. ClinVar contains an entry for this variant (Variation ID: 1806248). Invitae Evidence Modeling of protein sequence and biophysical properties (such as structural, functional, and spatial information, amino acid conservation, physicochemical variation, residue mobility, and thermodynamic stability) indicates that this missense variant is not expected to disrupt FANCG protein function with a negative predictive value of 80%. In summary, the available evidence is currently insufficient to determine the role of this variant in disease. Therefore, it has been classified as a Variant of Uncertain Significance.

Blueprint Genetics
Classification: Likely benign. Last evaluated: 2023-12-28. Review status: criteria provided, single submitter. Criteria: ACMG Guidelines, 2015. Collection method: clinical testing. Allele origin: germline.

Victorian Clinical Genetics Services, Murdoch Childrens Research Institute
Classification: Uncertain significance for Fanconi anemia complementation group G. Last evaluated: 2020-06-11. Review status: criteria provided, single submitter. Criteria: ACMG Guidelines, 2015. Collection method: clinical testing. Allele origin: germline. Inheritance: Autosomal recessive inheritance.
Comment: Based on the classification scheme VCGS_Germline_v1.1.1, this variant is classified as 3C-VUS. Following criteria are met: 0102 - Loss-of-function is a known mechanism of disease for this gene. (N) 0106 - This gene is known to be associated with autosomal recessive disease. (N) 0200 - Variant is predicted to result in a missense amino acid change from threonine to methionine (exon 8). (N) 0251 - Variant is heterozygous. (N) 0304 - Variant is present in gnomAD (v2) <0.01 for a recessive condition (7 heterozygotes, 0 homozygotes). (P) 0504 - Same amino acid change has been observed in mammals. (B) 0604 - Variant is not located in an established domain, motif, hotspot or informative constraint region. (N) 0705 - No comparable variants have previous evidence for pathogenicity. (N) 0807 - Variant has not previously been reported in a clinical context. (N) 0905 - No segregation evidence has been identified for this variant. (N) 1007 - No published functional evidence has been identified for this variant. (N) 1208 - Inheritance information for this variant is not currently available. (N) Legend: (P) - Pathogenic, (N) - Neutral, (B) - Benign